The following is an entry in ClinVar:

NM_032638.5(GATA2):c.52A>G (p.Asn18Asp)

Gene: GATA2 (GATA binding protein 2; minus strand). Cytogenetic location: 3q21.3.
Variant type: single nucleotide variant.
Coding change: c.52A>G on transcript NM_032638.5 (MANE Select); coding-DNA position 52, A replaced by G.
Protein change: p.Asn18Asp; replaces asparagine 18 with aspartic acid.
Molecular consequence: missense variant.
Genome position (GRCh38, 1-based): chr3:128,486,980, T>C on the plus strand (A>G on the coding strand, the complement: GATA2 is on the minus strand). VCF-style: chr3-128486980-T-C. GRCh37 (hg19) VCF-style: chr3-128205823-T-C.
Other names: c.52A>G, p.Asn18Asp (NM_001145661.2, NM_001145662.1); short protein forms N18D.
Identifiers: ClinVar variation 4262132 (VCV004262132.1).

ClinVar aggregate classification (germline): Uncertain significance (1 of 4 stars; one submission).

Conditions:
Inborn genetic diseases. Identifiers: MedGen C0950123, MeSH D030342.

Submission:

Ambry Genetics
Classification: Uncertain significance for Inborn genetic diseases. Last evaluated: 2025-07-28. Review status: criteria provided, single submitter. Criteria: Ambry Variant Classification Scheme 2023. Collection method: clinical testing. Allele origin: germline.
Comment: The p.N18D variant (also known as c.52A>G), located in coding exon 1 of the GATA2 gene, results from an A to G substitution at nucleotide position 52. The asparagine at codon 18 is replaced by aspartic acid, an amino acid with highly similar properties. This amino acid position is conserved. In addition, the in silico prediction for this alteration is inconclusive. Based on the available evidence, the clinical significance of this variant remains unclear.